The following is an entry in ClinVar:

ClinVar aggregate classification (germline): Uncertain significance (1 of 4 stars; one submission).

Conditions:
Hypertrophic cardiomyopathy. Also called: HYPERTROPHIC MYOCARDIOPATHY. Identifiers: Orphanet 217569, MedGen C0007194, MeSH D002312, MONDO:0005045, HP:0001639.

Allele frequency attached by ClinVar (database versions not stated): ExAC 0.00002; ESP Exome Variant Server 0.00008; gnomAD 0.00001; TOPMed 0.00001.

Submission:

All of Us Research Program, National Institutes of Health
Classification: Uncertain significance for Hypertrophic cardiomyopathy. Last evaluated: 2023-11-02. Review status: criteria provided, single submitter. Criteria: ACMG Guidelines, 2015. Collection method: clinical testing. Allele origin: germline. Inheritance: Autosomal dominant inheritance. Observed: 1 variant allele, 1 heterozygote.
Comment: This variant causes a T to C nucleotide substitution at the -1 position of the 5' untranslated region in the PRKAG2 gene. To our knowledge, functional studies have not been reported for this variant. This variant has not been reported in individuals affected with PRKAG2-related disorders in the literature. This variant has been identified in 2/246914 chromosomes in the general population by the Genome Aggregation Database (gnomAD). The available evidence is insufficient to determine the role of this variant in disease conclusively. Therefore, this variant is classified as a Variant of Uncertain Significance.

This study involves interpretation of variants in research participants for the purpose of population health screening. Participant phenotype was not available at the time of variant classification. Additional details can be found in publication PMID: 35346344, PMCID: PMC8962531

NM_016203.4(PRKAG2):c.-1T>C

Gene: PRKAG2 (protein kinase AMP-activated non-catalytic subunit gamma 2; minus strand). Cytogenetic location: 7q36.1.
Variant type: single nucleotide variant.
Coding change: c.-1T>C on transcript NM_016203.4 (MANE Select); 1 bases upstream of the start codon, T replaced by C.
Molecular consequence: 5 prime UTR variant.
Genome position (GRCh38, 1-based): chr7:151,876,621, A>G on the plus strand (T>C on the coding strand, the complement: PRKAG2 is on the minus strand). VCF-style: chr7-151876621-A-G. GRCh37 (hg19) VCF-style: chr7-151573706-A-G.
Other names: c.-1T>C (NM_001407021.1, NM_001407022.1, NM_001407023.1 and 2 more transcripts).
Identifiers: ClinVar variation 3074214 (VCV003074214.1), dbSNP rs370949737, ClinGen allele CA056428.